The following is an entry in ClinVar:

ClinVar aggregate classification (germline): Uncertain significance (1 of 4 stars; one submission).

Allele frequency attached by ClinVar (database versions not stated): ExAC 0.00002; gnomAD exomes 0.00006; ESP Exome Variant Server 0.00008; gnomAD 0.00008; TOPMed 0.00008.

Submission:

Labcorp Genetics (formerly Invitae), Labcorp
Classification: Uncertain significance. Last evaluated: 2022-06-29. Review status: criteria provided, single submitter. Criteria: Invitae Variant Classification Sherloc (09022015). Collection method: clinical testing. Allele origin: germline.
Comment: In summary, the available evidence is currently insufficient to determine the role of this variant in disease. Therefore, it has been classified as a Variant of Uncertain Significance. Experimental studies have shown that this missense change affects DLG2 function (PMID: 32341572). Algorithms developed to predict the effect of missense changes on protein structure and function are either unavailable or do not agree on the potential impact of this missense change (SIFT: "Deleterious"; PolyPhen-2: "Benign"; Align-GVGD: "Class C0"). This missense change has been observed in individual(s) with hypogonadotrophic hypogonadism (PMID: 32341572). This variant is present in population databases (rs374177340, gnomAD 0.008%). This sequence change replaces glutamic acid, which is acidic and polar, with lysine, which is basic and polar, at codon 140 of the DLG2 protein (p.Glu140Lys).

Literature cited by the submitters: PubMed 32341572.

NM_001142699.3(DLG2):c.418G>A (p.Glu140Lys)

Gene: DLG2 (discs large MAGUK scaffold protein 2; minus strand). Cytogenetic location: 11q14.1.
Variant type: single nucleotide variant.
Coding change: c.418G>A on transcript NM_001142699.3 (MANE Select); coding-DNA position 418, G replaced by A.
Protein change: p.Glu140Lys; replaces glutamic acid 140 with lysine.
Molecular consequence: missense variant.
Genome position (GRCh38, 1-based): chr11:84,534,671, C>T on the plus strand (G>A on the coding strand, the complement: DLG2 is on the minus strand). VCF-style: chr11-84534671-C-T. GRCh37 (hg19) VCF-style: chr11-84245714-C-T.
Other names: c.103G>A, p.Glu35Lys (NM_001300983.1, NM_001364.3, NM_001377968.1); c.454G>A, p.Glu152Lys (NM_001351274.2); c.451G>A, p.Glu151Lys (NM_001351275.2); c.160G>A, p.Glu54Lys (NM_001351276.2); short protein forms E35K, E140K, E151K, E54K, E152K.
Identifiers: ClinVar variation 2158661 (VCV002158661.4), dbSNP rs374177340, ClinGen allele CA6212110.
Genomic context (GRCh38, chr11:84,534,671, plus strand): 5'-CATTTTCTATTTGAGAGAGGTTCTTTTCTGATACATGCACGAGTTCTGGGCCTCTTACTT[C>T]GTGGGTTAGTCGAGGTAAGGAATGATCATGTGGAGCGTCCTCATCTTGATATCGATACTT-3'
Protein context (NP_001136171.1, residues 130-150): HDHSLPRLTH[Glu140Lys]VRGPELVHVS